The following is an entry in ClinVar:

NM_000075.4(CDK4):c.633-13C>T

Genes: CDK4 (cyclin dependent kinase 4; minus strand), TSPAN31 (tetraspanin 31; plus strand). Cytogenetic location: 12q14.1.
Variant type: single nucleotide variant.
Coding change: c.633-13C>T on transcript NM_000075.4 (MANE Select); 13 bases into the intron before coding-DNA position 633, C replaced by T.
Molecular consequence: intron variant. On other transcripts: 3 prime UTR variant (3).
Genome position (GRCh38, 1-based): chr12:57,749,517, G>A on the plus strand (C>T on the coding strand, the complement: CDK4 is on the minus strand). VCF-style: chr12-57749517-G-A. GRCh37 (hg19) VCF-style: chr12-58143300-G-A.
Other names: c.*2227G>A (NM_001330168.2, NM_001330169.2, NM_005981.5).
Identifiers: ClinVar variation 3378749 (VCV003378749.3).

ClinVar aggregate classification (germline): Likely benign. Review status: criteria provided, multiple submitters, no conflicts (2 of 4 stars). 2 submissions from 2 submitters: Likely benign (2). Last evaluated 2024-11-02.

Conditions:
Melanoma, cutaneous malignant, susceptibility to, 3. Also called: Cutaneous malignant melanoma 3. Identifiers: Orphanet 618, MedGen C1836892, MONDO:0012183, OMIM 609048.
Familial melanoma. Also called: Hereditary melanoma; Hereditary cutaneous melanoma. Identifiers: Orphanet 618, MedGen C1512419, MONDO:0018961.

Submissions (2):

Labcorp Genetics (formerly Invitae), Labcorp
Classification: Likely benign for Familial melanoma. Last evaluated: 2024-11-02. Review status: criteria provided, single submitter. Criteria: Invitae Variant Classification Sherloc (09022015). Collection method: clinical testing. Allele origin: germline.

Myriad Genetics, Inc.
Classification: Likely benign for Melanoma, cutaneous malignant, susceptibility to, 3. Last evaluated: 2024-09-26. Review status: criteria provided, single submitter. Criteria: Myriad Autosomal Dominant, Autosomal Recessive and X-Linked Classification Criteria (2023). Collection method: clinical testing. Allele origin: unknown.
Comment: This variant is considered likely benign. This variant is intronic and is not expected to impact mRNA splicing.